The following is an entry in ClinVar:

ClinVar aggregate classification (germline): Uncertain significance. Review status: criteria provided, multiple submitters, no conflicts (2 of 4 stars). 2 submissions from 2 submitters: Uncertain significance (2). Last evaluated 2026-08-31.

Conditions:
Atrioventricular septal defect 4 (AVSD4). Identifiers: MedGen C3280781, MONDO:0013747, OMIM 614430.
Cardiovascular phenotype. Identifiers: MedGen CN230736.

Allele frequency attached by ClinVar (database versions not stated): gnomAD exomes below 0.00001.
gnomAD v4.1: 6 of 1,614,020 alleles (0.00037%); highest among the groups gnomAD compares: East Asian, 0.0045%; no homozygotes.

Submissions (2):

Ambry Genetics
Classification: Uncertain significance for Cardiovascular phenotype. Last evaluated: 2026-08-31. Review status: criteria provided, single submitter. Criteria: Ambry Variant Classification Scheme 2023. Collection method: clinical testing. Allele origin: germline.
Comment: The p.R311Q variant (also known as c.932G>A), located in coding exon 4 of the GATA4 gene, results from a G to A substitution at nucleotide position 932. The arginine at codon 311 is replaced by glutamine, an amino acid with highly similar properties. This amino acid position is conserved. In addition, the in silico prediction for this alteration is inconclusive. Based on the available evidence, the clinical significance of this variant remains unclear.

Labcorp Genetics (formerly Invitae), Labcorp
Classification: Uncertain significance for Atrioventricular septal defect 4. Last evaluated: 2025-09-03. Review status: criteria provided, single submitter. Criteria: Invitae Variant Classification Sherloc (09022015). Collection method: clinical testing. Allele origin: germline.
Comment: This sequence change replaces arginine, which is basic and polar, with glutamine, which is neutral and polar, at codon 311 of the GATA4 protein (p.Arg311Gln). This variant is not present in population databases (gnomAD no frequency). This variant has not been reported in the literature in individuals affected with GATA4-related conditions. ClinVar contains an entry for this variant (Variation ID: 649247). Invitae Evidence Modeling of protein sequence and biophysical properties (such as structural, functional, and spatial information, amino acid conservation, physicochemical variation, residue mobility, and thermodynamic stability) has been performed for this missense variant. However, the output from this modeling did not meet the statistical confidence thresholds required to predict the impact of this variant on GATA4 protein function. In summary, the available evidence is currently insufficient to determine the role of this variant in disease. Therefore, it has been classified as a Variant of Uncertain Significance.

NM_001308093.3(GATA4):c.935G>A (p.Arg312Gln)

Gene: GATA4 (GATA binding protein 4). Cytogenetic location: 8p23.1.
Variant type: single nucleotide variant.
Coding change: c.935G>A on transcript NM_001308093.3 (MANE Select); coding-DNA position 935, G replaced by A.
Protein change: p.Arg312Gln; replaces arginine 312 with glutamine.
Molecular consequence: missense variant.
Genome position (GRCh38, 1-based): chr8:11,755,068, G>A. VCF-style: chr8-11755068-G-A. GRCh37 (hg19) VCF-style: chr8-11612577-G-A.
Other names: c.314G>A, p.Arg105Gln (NM_001308094.2, NM_001374273.1); c.188G>A, p.Arg63Gln (NM_001374274.1); c.932G>A, p.Arg311Gln (NM_002052.5); short protein forms R312Q, R105Q, R311Q, R63Q.
Identifiers: ClinVar variation 649247 (VCV000649247.11), dbSNP rs1585698628, ClinGen allele CA370314389.